The following is an entry in ClinVar:

ClinVar aggregate classification (germline): Uncertain significance (1 of 4 stars; one submission).

Allele frequency attached by ClinVar (database versions not stated): gnomAD exomes 0.00001; gnomAD 0.00002; TOPMed 0.00003.
gnomAD v4.1: 10 of 1,611,346 alleles (0.00062%); highest among the groups gnomAD compares: African/African-American, 0.0013%; no homozygotes.

Submission:

Labcorp Genetics (formerly Invitae), Labcorp
Classification: Uncertain significance. Last evaluated: 2022-08-23. Review status: criteria provided, single submitter. Criteria: Invitae Variant Classification Sherloc (09022015). Collection method: clinical testing. Allele origin: germline.
Comment: This sequence change replaces arginine with glutamine at codon 413 of the UNC45A protein (p.Arg413Gln). The arginine residue is highly conserved and there is a small physicochemical difference between arginine and glutamine. This variant is present in population databases (no rsID available, gnomAD 0.0009%). This variant has not been reported in the literature in individuals affected with UNC45A-related conditions. ClinVar contains an entry for this variant (Variation ID: 1384007). Experimental studies and prediction algorithms are not available or were not evaluated, and the functional significance of this variant is currently unknown. In summary, the available evidence is currently insufficient to determine the role of this variant in disease. Therefore, it has been classified as a Variant of Uncertain Significance.

NM_018671.5(UNC45A):c.1238G>A (p.Arg413Gln)

Gene: UNC45A (unc-45 myosin chaperone A; plus strand). Cytogenetic location: 15q26.1.
Variant type: single nucleotide variant.
Coding change: c.1238G>A on transcript NM_018671.5 (MANE Select); coding-DNA position 1238, G replaced by A.
Protein change: p.Arg413Gln; replaces arginine 413 with glutamine.
Molecular consequence: missense variant.
Genome position (GRCh38, 1-based): chr15:90,946,652, G>A. VCF-style: chr15-90946652-G-A. GRCh37 (hg19) VCF-style: chr15-91489882-G-A.
Other names: c.1193G>A, p.Arg398Gln (NM_001039675.2, NM_001323621.2); c.1238G>A, p.Arg413Gln (NM_001323619.1); c.803G>A, p.Arg268Gln (NM_001323620.2); short protein forms R398Q, R268Q, R413Q.
Identifiers: ClinVar variation 1384007 (VCV001384007.3), dbSNP rs759364706, ClinGen allele CA393856456.